The following is an entry in ClinVar:

ClinVar aggregate classification (germline): Uncertain significance (1 of 4 stars; one submission).

Allele frequency attached by ClinVar (database versions not stated): ExAC 0.00001; TOPMed 0.00004.

Submission:

GeneDx
Classification: Uncertain significance. Last evaluated: 2022-08-26. Review status: criteria provided, single submitter. Criteria: GeneDx Variant Classification Process June 2021. Collection method: clinical testing. Allele origin: germline. Affected: yes.
Comment: Not observed at significant frequency in large population cohorts (gnomAD); In silico analysis supports that this missense variant does not alter protein structure/function; Has not been previously published as pathogenic or benign to our knowledge

NM_001379451.1(BCORL1):c.4070G>C (p.Gly1357Ala)

Gene: BCORL1 (BCL6 corepressor like 1; plus strand). Cytogenetic location: Xq26.1.
Variant type: single nucleotide variant.
Coding change: c.4070G>C on transcript NM_001379451.1 (MANE Select); coding-DNA position 4070, G replaced by C.
Protein change: p.Gly1357Ala; replaces glycine 1357 with alanine.
Molecular consequence: missense variant.
Genome position (GRCh38, 1-based): chrX:130,025,371, G>C. VCF-style: chrX-130025371-G-C. GRCh37 (hg19) VCF-style: chrX-129159346-G-C.
Other names: c.4070G>C, p.Gly1357Ala (NM_001184772.3, NM_001379450.1, NM_021946.5); short protein forms G1357A.
Identifiers: ClinVar variation 2430966 (VCV002430966.1), dbSNP rs755904684, ClinGen allele CA10514619.
Genomic context (GRCh38, chrX:130,025,371, plus strand): 5'-GCCGAAAATATCAGACTGGGGAGTACCTGACAGAGCAAGAAGACGAGCAGCGGCGGAAAG[G>C]GAGAGCAGGTAAGGCTGGCCAGGGGCTCTGCTGTCGCCGCGGCCCGTTTGGCTTCTGGGA-3'
Protein context (NP_001366380.1, residues 1347-1367): TEQEDEQRRK[Gly1357Ala]RADLKARKQK